The following is an entry in ClinVar:

ClinVar aggregate classification (germline): Pathogenic (1 of 4 stars; one submission).

Conditions:
Posterior column ataxia-retinitis pigmentosa syndrome (RETSNS). Also called: RETINOPATHY-SENSORY NEUROPATHY SYNDROME. Identifiers: Orphanet 88628, MedGen C1836916, MONDO:0012177, OMIM 609033.

Submission:

Victorian Clinical Genetics Services, Murdoch Childrens Research Institute
Classification: Pathogenic for Posterior column ataxia-retinitis pigmentosa syndrome. Last evaluated: 2024-10-10. Review status: criteria provided, single submitter. Criteria: ACMG Guidelines, 2015. Collection method: clinical testing. Allele origin: germline. Inheritance: Autosomal recessive inheritance. Affected: no.
Comment: Based on the classification scheme VCGS_Germline_v1.3.5, this variant is classified as Pathogenic. Following criteria are met: 0102 - Loss of function is a known mechanism of disease in this gene and is associated with ataxia, posterior column, with retinitis pigmentosa (MIM#609033). (I) 0106 - This gene is associated with autosomal recessive disease. (I) 0201 - Variant is predicted to cause nonsense-mediated decay (NMD) and loss of protein (premature termination codon is located at least 54 nucleotides upstream of the final exon-exon junction). (SP) 0251 - This variant is heterozygous. (I) 0301 - Variant is absent from gnomAD (v2, v3 and v4). (SP) 0701 - Other NMD-predicted variants comparable to the one identified in this case have very strong previous evidence for pathogenicity. Many NMD-predicted variants have been reported as pathogenic or likely pathogenic (ClinVar). (SP) 0807 - This variant has no previous evidence of pathogenicity. (I) 0905 - No published segregation evidence has been identified for this variant. (I) 1007 - No published functional evidence has been identified for this variant. (I) 1201 - Heterozygous variant detected in trans with a second likely pathogenic heterozygous variant (NM_014053.4(FLVCR1):c.1058C>T p.(Thr353Met)) in a recessive disease. (I) Legend: (SP) - Supporting pathogenic, (I) - Information, (SB) - Supporting benign

NM_014053.4(FLVCR1):c.441_445del (p.Trp148fs)

Gene: FLVCR1 (FLVCR choline and heme transporter 1; plus strand). Cytogenetic location: 1q32.3.
Variant type: Deletion.
Coding change: c.441_445del on transcript NM_014053.4 (MANE Select); coding-DNA positions 441 to 445, 5 bases deleted (CTGGC; older notation c.441_445delCTGGC).
Protein change: p.Trp148fs; shifts the reading frame from tryptophan 148.
Molecular consequence: frameshift variant.
Genome position (GRCh38, 1-based): chr1:212,858,893-212,858,897, CTGGC deleted. VCF-style (leftmost placement, unchanged base first): chr1-212858892-ACTGGC-A. GRCh37 (hg19) VCF-style: chr1-213032234-ACTGGC-A.
Other names: short protein forms W148fs.
Identifiers: ClinVar variation 3377003 (VCV003377003.1).